The following is an entry in ClinVar:

ClinVar aggregate classification (germline): Uncertain significance (1 of 4 stars; one submission).

Conditions:
3-methylglutaconic aciduria, type VIIA. Also called: 3-METHYLGLUTACONIC ACIDURIA WITH NEUROLOGIC INVOLVEMENT AND NEUTROPENIA, AUTOSOMAL DOMINANT. Identifiers: MedGen C5676967, MONDO:0859237, OMIM 619835.

Submission:

Neuberg Centre For Genomic Medicine, NCGM
Classification: Uncertain significance for 3-methylglutaconic aciduria, type VIIA. Last evaluated: 2023-06-22. Review status: criteria provided, single submitter. Criteria: ACMG Guidelines, 2015. Collection method: clinical testing. Allele origin: germline. Inheritance: Autosomal dominant inheritance. Affected: yes.
Comment: The observed splice region c.1486+6del variant in CLPB gene has not been reported previously as a pathogenic variant nor as a benign variant, to our knowledge. This variant is absent in gnomAD Exomes. This splice region variant in intron 12 affects the position six nucleotides downstream of exon 11. The spliceAI tool predicts that this splice site variant is Benign. For these reasons, this variant has been classified as Uncertain Significance.

NM_001258392.3(CLPB):c.1486+6del

Gene: CLPB (ClpB family mitochondrial disaggregase; minus strand). Cytogenetic location: 11q13.4.
Variant type: Deletion.
Coding change: c.1486+6del on transcript NM_001258392.3 (MANE Select); 6 bases into the intron after coding-DNA position 1486, one base deleted (G; older notation c.1486+6delG).
Molecular consequence: intron variant.
Genome position (GRCh38, 1-based): chr11:72,295,486, C deleted on the plus strand (G on the coding strand, the reverse complement: CLPB is on the minus strand); the first of 2 consecutive C bases (chr11:72,295,486-72,295,487); deleting either gives the same sequence. VCF-style (leftmost placement, unchanged base first): chr11-72295485-GC-G. GRCh37 (hg19) VCF-style: chr11-72006529-GC-G.
Other names: c.1399+6del (NM_001258393.3); c.1576+6del (NM_030813.6); c.1441+6del (NM_001258394.3).
Identifiers: ClinVar variation 3377673 (VCV003377673.1).